The following is an entry in ClinVar:

NM_006567.5(FARS2):c.207G>A (p.Lys69=)

Genes: FARS2 (phenylalanyl-tRNA synthetase 2, mitochondrial; plus strand), LOC126859565 (CDK7 strongly-dependent group 2 enhancer GRCh37_chr6:5368745-5369944; plus strand). Cytogenetic location: 6p25.1.
Variant type: single nucleotide variant.
Coding change: c.207G>A on transcript NM_006567.5 (MANE Select); coding-DNA position 207, G replaced by A.
Protein change: p.Lys69=; no amino-acid change (lysine 69 retained).
Molecular consequence: synonymous variant. On other transcripts: intron variant (2).
Genome position (GRCh38, 1-based): chr6:5,368,777, G>A. VCF-style: chr6-5368777-G-A. GRCh37 (hg19) VCF-style: chr6-5369010-G-A.
Other names: c.207G>A, p.Lys69= (NM_001318872.2, NM_001374875.1, NM_001374876.1 and 5 more transcripts); c.-340-27856G>A (NM_001375260.1); c.-84-35765G>A (NM_001375259.1).
Identifiers: ClinVar variation 2007097 (VCV002007097.26), dbSNP rs1472943265, ClinGen allele CA448625253.

ClinVar aggregate classification (germline): Likely benign. Review status: criteria provided, multiple submitters, no conflicts (2 of 4 stars). 2 submissions from 2 submitters: Likely benign (2). Last evaluated 2024-02-01.

Conditions:
Combined oxidative phosphorylation defect type 14. Also called: Combined oxidative phosphorylation deficiency 14. Identifiers: Orphanet 319519, MedGen C4755312, MONDO:0013986, OMIM 614946.

Submissions (2):

CeGaT Center for Human Genetics Tuebingen
Classification: Likely benign. Last evaluated: 2024-02-01. Review status: criteria provided, single submitter. Criteria: CeGaT Center For Human Genetics Tuebingen Variant Classification Criteria Version 2. Collection method: clinical testing. Allele origin: germline. Affected: yes. Observed: 1 variant allele.
Comment: FARS2: PM2:Supporting, BP4, BP7

Labcorp Genetics (formerly Invitae), Labcorp
Classification: Likely benign for Combined oxidative phosphorylation defect type 14. Last evaluated: 2022-08-12. Review status: criteria provided, single submitter. Criteria: Invitae Variant Classification Sherloc (09022015). Collection method: clinical testing. Allele origin: germline.